The following is an entry in ClinVar:

NM_014140.4(SMARCAL1):c.764A>G (p.Asn255Ser)

Gene: SMARCAL1 (SNF2 related chromatin remodeling annealing helicase 1; plus strand). Cytogenetic location: 2q35.
Variant type: single nucleotide variant.
Coding change: c.764A>G on transcript NM_014140.4 (MANE Select); coding-DNA position 764, A replaced by G.
Protein change: p.Asn255Ser; replaces asparagine 255 with serine.
Molecular consequence: missense variant.
Genome position (GRCh38, 1-based): chr2:216,415,468, A>G. VCF-style: chr2-216415468-A-G. GRCh37 (hg19) VCF-style: chr2-217280191-A-G.
Other names: c.764A>G, p.Asn255Ser (NM_001127207.2); short protein forms N255S.
Identifiers: ClinVar variation 1390090 (VCV001390090.8), dbSNP rs1285863511, ClinGen allele CA350498001.

ClinVar aggregate classification (germline): Uncertain significance. Review status: criteria provided, multiple submitters, no conflicts (2 of 4 stars). 2 submissions from 2 submitters: Uncertain significance (2). Last evaluated 2024-10-24.

Conditions:
Schimke immuno-osseous dysplasia (SIOD). Also called: Schimke Immunoosseous Dysplasia. Identifiers: Orphanet 1830, MedGen C0877024, MONDO:0009458, OMIM 242900.

Allele frequency attached by ClinVar (database versions not stated): gnomAD 0.00001; gnomAD exomes 0.00001; TOPMed 0.00001.
gnomAD v4.1: 16 of 1,614,050 alleles (0.00099%); highest among the groups gnomAD compares: African/African-American, 0.0013%; no homozygotes.

Submissions (2):

Labcorp Genetics (formerly Invitae), Labcorp
Classification: Uncertain significance for Schimke immuno-osseous dysplasia. Last evaluated: 2024-10-24. Review status: criteria provided, single submitter. Criteria: Invitae Variant Classification Sherloc (09022015). Collection method: clinical testing. Allele origin: germline.
Comment: This sequence change replaces asparagine, which is neutral and polar, with serine, which is neutral and polar, at codon 255 of the SMARCAL1 protein (p.Asn255Ser). This variant is not present in population databases (gnomAD no frequency). This variant has not been reported in the literature in individuals affected with SMARCAL1-related conditions. ClinVar contains an entry for this variant (Variation ID: 1390090). Invitae Evidence Modeling of protein sequence and biophysical properties (such as structural, functional, and spatial information, amino acid conservation, physicochemical variation, residue mobility, and thermodynamic stability) indicates that this missense variant is not expected to disrupt SMARCAL1 protein function with a negative predictive value of 80%. In summary, the available evidence is currently insufficient to determine the role of this variant in disease. Therefore, it has been classified as a Variant of Uncertain Significance.

Fulgent Genetics
Classification: Uncertain significance for Schimke immuno-osseous dysplasia. Last evaluated: 2024-04-30. Review status: criteria provided, single submitter. Criteria: ACMG Guidelines, 2015. Collection method: clinical testing. Allele origin: germline.